The following is an entry in ClinVar:

ClinVar aggregate classification (germline): Uncertain significance (1 of 4 stars; one submission).

Submission:

Labcorp Genetics (formerly Invitae), Labcorp
Classification: Uncertain significance. Last evaluated: 2023-03-10. Review status: criteria provided, single submitter. Criteria: Invitae Variant Classification Sherloc (09022015). Collection method: clinical testing. Allele origin: germline.
Comment: This variant has not been reported in the literature in individuals affected with FAM20C-related conditions. An algorithm developed to predict the effect of missense changes on protein structure and function (PolyPhen-2) suggests that this variant is likely to be disruptive. In summary, the available evidence is currently insufficient to determine the role of this variant in disease. Therefore, it has been classified as a Variant of Uncertain Significance. This variant is not present in population databases (gnomAD no frequency). This sequence change replaces threonine, which is neutral and polar, with methionine, which is neutral and non-polar, at codon 295 of the FAM20C protein (p.Thr295Met).

NM_020223.4(FAM20C):c.884_885inv (p.Thr295Met)

Gene: FAM20C (FAM20C golgi associated secretory pathway kinase; plus strand). Cytogenetic location: 7p22.3.
Variant type: Inversion.
Coding change: c.884_885inv on transcript NM_020223.4 (MANE Select).
Protein change: p.Thr295Met; replaces threonine 295 with methionine.
Molecular consequence: missense variant.
Genome position: GRCh38 VCF-style: chr7-246435-CA-TG. GRCh37 (hg19) VCF-style: chr7-286401-CA-TG.
Other names: short protein forms T295M.
Identifiers: ClinVar variation 2776570 (VCV002776570.3), ClinGen allele CA2739266220.